The following is an entry in ClinVar:

NM_001698.3(AUH):c.197dup (p.Tyr67fs)

Genes: AUH (AU RNA binding methylglutaconyl-CoA hydratase; minus strand), LOC130002059 (ATAC-STARR-seq lymphoblastoid silent region 20025; plus strand). Cytogenetic location: 9q22.31.
Variant type: Duplication.
Coding change: c.197dup on transcript NM_001698.3 (MANE Select); coding-DNA position 197, one base duplicated (G; older notation c.197dupG).
Protein change: p.Tyr67fs; shifts the reading frame from tyrosine 67.
Molecular consequence: frameshift variant. On other transcripts: 5 prime UTR variant (3).
Genome position (GRCh38, 1-based): chr9:91,361,693, C duplicated on the plus strand (G on the coding strand, the reverse complement: AUH is on the minus strand); the first of 4 consecutive C bases (chr9:91,361,693-91,361,696); duplicating any one gives the same sequence. VCF-style (leftmost placement, unchanged base first): chr9-91361692-G-GC. GRCh37 (hg19) VCF-style: chr9-94123974-G-GC.
Other names: c.197dup, p.Tyr67fs (NM_001306190.2); c.-201dup (NM_001351431.2, NM_001351433.2); c.-293dup (NM_001351432.2); short protein forms Y67fs.
Identifiers: ClinVar variation 3723023 (VCV003723023.2).

ClinVar aggregate classification (germline): Pathogenic (1 of 4 stars; one submission).

Conditions:
3-methylglutaconic aciduria type 1 (MGCA1). Identifiers: Orphanet 67046, MedGen C0342727, MONDO:0009610, OMIM 250950.

Submission:

Labcorp Genetics (formerly Invitae), Labcorp
Classification: Pathogenic for 3-methylglutaconic aciduria type 1. Last evaluated: 2024-10-21. Review status: criteria provided, single submitter. Criteria: Invitae Variant Classification Sherloc (09022015). Collection method: clinical testing. Allele origin: germline.
Comment: This sequence change creates a premature translational stop signal (p.Tyr67Leufs*4) in the AUH gene. It is expected to result in an absent or disrupted protein product. Loss-of-function variants in AUH are known to be pathogenic (PMID: 12655555, 20882351). This variant is not present in population databases (gnomAD no frequency). This variant has not been reported in the literature in individuals affected with AUH-related conditions. For these reasons, this variant has been classified as Pathogenic.

Literature cited by the submitters: PubMed 12655555; PubMed 20882351.